The following is an entry in ClinVar:

NM_001370658.1(BTD):c.1324del (p.Arg442fs)

Gene: BTD (biotinidase; plus strand). Cytogenetic location: 3p25.1.
Variant type: Deletion.
Coding change: c.1324del on transcript NM_001370658.1 (MANE Select); coding-DNA position 1324, one base deleted (A; older notation c.1324delA).
Protein change: p.Arg442fs; shifts the reading frame from arginine 442.
Molecular consequence: frameshift variant. On other transcripts: intron variant (8).
Genome position (GRCh38, 1-based): chr3:15,645,240, A deleted. VCF-style (leftmost placement, unchanged base first): chr3-15645239-CA-C. GRCh37 (hg19) VCF-style: chr3-15686746-CA-C.
Other names: c.1384del (NM_000060.4); c.1324del, p.Arg442fs (NM_001281723.4, NM_001281724.3, NM_001281725.3 and 16 more transcripts); c.1015+309del (NM_001370752.1, NM_001407379.1); c.399+3183del (NM_001370753.1, NM_001407400.1, NM_001407380.1 and 3 more transcripts); short protein forms R442fs.
Identifiers: ClinVar variation 1456933 (VCV001456933.13), dbSNP rs397514420, ClinGen allele CA278337.
Genomic context (GRCh38, chr3:15,645,239, plus strand): 5'-GGTCTTTGATGGGCTTCACACAGTACATGGCACTTACTACATCCAAGTGTGTGCCCTGGT[CA>C]GGTGTGGGGGTCTTGGCTTCGACACCTGTGGACAGGAAATCACAGAGGCCACGGGGATAT-3'

ClinVar aggregate classification (germline): Pathogenic/Likely pathogenic. Review status: criteria provided, multiple submitters, no conflicts (2 of 4 stars). 5 submissions from 5 submitters: Pathogenic (1); Likely pathogenic (4). Last evaluated 2025-08-07.

Conditions:
Biotinidase deficiency. Also called: Biotin deficiency; BTD deficiency; Late-onset biotin-responsive multiple carboxylase deficiency. Identifiers: Orphanet 79241, MedGen C0220754, MONDO:0009665, OMIM 253260.

Allele frequency attached by ClinVar (database versions not stated): gnomAD exomes below 0.00001 and 0.00001; ExAC 0.00001.

Submissions (5):

Myriad Genetics, Inc.
Classification: Likely pathogenic for Biotinidase deficiency. Last evaluated: 2025-08-07. Review status: criteria provided, single submitter. Criteria: Myriad Autosomal Dominant, Autosomal Recessive and X-Linked Classification Criteria (2023). Collection method: clinical testing. Allele origin: unknown.
Comment: NM_000060.2(BTD):c.1384delA(R462Gfs*39) is a frameshift variant classified as likely pathogenic in the context of biotinidase deficiency. R462Gfs*39 has been observed in cases with relevant disease (PMID: 19728141, 30616616). Relevant functional assessments of this variant are not available in the literature. Internal structural analysis of the variant is supportive of pathogenicity. R462Gfs*39 has been observed in referenced population frequency databases. In summary, NM_000060.2(BTD):c.1384delA(R462Gfs*39) is a frameshift variant that has internal structural support for pathogenicity and has been observed more frequently in cases with the relevant disease than in healthy populations. Please note: this variant was assessed in the context of healthy population screening.

Natera, Inc.
Classification: Likely pathogenic for Biotinidase deficiency. Last evaluated: 2025-01-23. Review status: criteria provided, single submitter. Criteria: Natera Variant Classification Schema (03/2026). Collection method: clinical testing. Allele origin: germline.
Comment: The c.1324del variant in BTD is a frameshift variant predicted to shift the reading frame beginning at codon 442 and leads to a stop codon 39 codons downstream. This variant is expected to result in nonsense mediated decay, truncation, or a dysfunctional protein product. This variant is rare in the general population with a frequency below the threshold expected for the associated phenotype(s). This variant has been observed in one or more individuals affected with the associated recessive disease, as either homozygous or compound heterozygous with a second variant (PMID: 19728141, 30616616). Functional studies show that this variant may disrupt protein function (PMID: 19728141). Given the available evidence, this variant is classified as Likely Pathogenic.

Fulgent Genetics
Classification: Likely pathogenic for Biotinidase deficiency. Last evaluated: 2024-03-06. Review status: criteria provided, single submitter. Criteria: ACMG Guidelines, 2015. Collection method: clinical testing. Allele origin: germline.

Baylor Genetics
Classification: Likely pathogenic for Biotinidase deficiency. Last evaluated: 2023-12-17. Review status: criteria provided, single submitter. Criteria: ACMG Guidelines, 2015. Collection method: clinical testing. Allele origin: unknown.

Labcorp Genetics (formerly Invitae), Labcorp
Classification: Pathogenic for Biotinidase deficiency. Last evaluated: 2022-07-29. Review status: criteria provided, single submitter. Criteria: Invitae Variant Classification Sherloc (09022015). Collection method: clinical testing. Allele origin: germline.
Comment: For these reasons, this variant has been classified as Pathogenic. This variant disrupts a region of the BTD protein in which other variant(s) (p.Leu498Phefs*13) have been determined to be pathogenic (PMID: 17382128, 19728141, 29359854). This suggests that this is a clinically significant region of the protein, and that variants that disrupt it are likely to be disease-causing. ClinVar contains an entry for this variant (Variation ID: 1456933). This premature translational stop signal has been observed in individuals with biotinidase deficiency (PMID: 19728141, 30616616). This variant is present in population databases (rs397514420, gnomAD 0.01%). This sequence change creates a premature translational stop signal (p.Arg462Glyfs*39) in the BTD gene. While this is not anticipated to result in nonsense mediated decay, it is expected to disrupt the last 82 amino acid(s) of the BTD protein.

Literature cited by the submitters: PubMed 19728141 (cited by 3 submitters); PubMed 30616616 (cited by 3 submitters); PubMed 17382128 (cited by Labcorp Genetics (formerly Invitae), Labcorp); PubMed 29359854 (cited by Labcorp Genetics (formerly Invitae), Labcorp).